The following is an entry in ClinVar:

ClinVar aggregate classification (germline): Uncertain significance. Review status: criteria provided, multiple submitters, no conflicts (2 of 4 stars). 3 submissions from 3 submitters: Uncertain significance (3). Last evaluated 2025-07-02.

Conditions:
Inborn genetic diseases. Identifiers: MedGen C0950123, MeSH D030342.

Allele frequency attached by ClinVar (database versions not stated): ExAC 0.00004; gnomAD 0.00004 and 0.00005; gnomAD exomes 0.00004; TOPMed 0.00008; ESP Exome Variant Server 0.00015.
gnomAD v4.1: 96 of 1,613,942 alleles (0.0059%); highest among the groups gnomAD compares: Middle Eastern, 0.049%; no homozygotes.

Submissions (3):

Ambry Genetics
Classification: Uncertain significance for Inborn genetic diseases. Last evaluated: 2025-07-02. Review status: criteria provided, single submitter. Criteria: Ambry Variant Classification Scheme 2023. Collection method: clinical testing. Allele origin: germline.

GeneDx
Classification: Uncertain significance. Last evaluated: 2023-12-27. Review status: criteria provided, single submitter. Criteria: GeneDx Variant Classification Process June 2021. Collection method: clinical testing. Allele origin: germline. Affected: yes.
Comment: Not observed at significant frequency in large population cohorts (gnomAD); In silico analysis, which includes protein predictors and evolutionary conservation, supports a deleterious effect; Has not been previously published as pathogenic or benign to our knowledge; This variant is associated with the following publications: (PMID: 23472759)

Labcorp Genetics (formerly Invitae), Labcorp
Classification: Uncertain significance. Last evaluated: 2021-12-03. Review status: criteria provided, single submitter. Criteria: Invitae Variant Classification Sherloc (09022015). Collection method: clinical testing. Allele origin: germline.
Comment: In summary, the available evidence is currently insufficient to determine the role of this variant in disease. Therefore, it has been classified as a Variant of Uncertain Significance. This sequence change replaces threonine, which is neutral and polar, with methionine, which is neutral and non-polar, at codon 679 of the LAMB1 protein (p.Thr679Met). This variant is present in population databases (rs373152146, gnomAD 0.006%). This variant has not been reported in the literature in individuals affected with LAMB1-related conditions. ClinVar contains an entry for this variant (Variation ID: 1192064). Algorithms developed to predict the effect of missense changes on protein structure and function (SIFT, PolyPhen-2, Align-GVGD) all suggest that this variant is likely to be disruptive.

NM_002291.3(LAMB1):c.2036C>T (p.Thr679Met)

Gene: LAMB1 (laminin subunit beta 1; minus strand). Cytogenetic location: 7q31.1.
Variant type: single nucleotide variant.
Coding change: c.2036C>T on transcript NM_002291.3 (MANE Select); coding-DNA position 2036, C replaced by T.
Protein change: p.Thr679Met; replaces threonine 679 with methionine.
Molecular consequence: missense variant.
Genome position (GRCh38, 1-based): chr7:107,961,279, G>A on the plus strand (C>T on the coding strand, the complement: LAMB1 is on the minus strand). VCF-style: chr7-107961279-G-A. GRCh37 (hg19) VCF-style: chr7-107601724-G-A.
Other names: short protein forms T679M.
Identifiers: ClinVar variation 1192064 (VCV001192064.11), dbSNP rs373152146, ClinGen allele CA4435773.